The following is an entry in ClinVar:

NM_024408.4(NOTCH2):c.1823T>C (p.Ile608Thr)

Gene: NOTCH2 (notch receptor 2; minus strand). Cytogenetic location: 1p12.
Variant type: single nucleotide variant.
Coding change: c.1823T>C on transcript NM_024408.4 (MANE Select); coding-DNA position 1823, T replaced by C.
Protein change: p.Ile608Thr; replaces isoleucine 608 with threonine.
Molecular consequence: missense variant.
Genome position (GRCh38, 1-based): chr1:119,963,666, A>G on the plus strand (T>C on the coding strand, the complement: NOTCH2 is on the minus strand). VCF-style: chr1-119963666-A-G. GRCh37 (hg19) VCF-style: chr1-120506289-A-G.
Other names: c.1823T>C, p.Ile608Thr (NM_001200001.2); short protein forms I608T.
Identifiers: ClinVar variation 1802004 (VCV001802004.6), dbSNP rs1553199299, ClinGen allele CA341873025.

ClinVar aggregate classification (germline): Uncertain significance. Review status: criteria provided, multiple submitters, no conflicts (2 of 4 stars). 2 submissions from 2 submitters: Uncertain significance (2). Last evaluated 2024-09-26.

Conditions:
Hajdu-Cheney syndrome (HJCYS). Also called: SERPENTINE FIBULA-POLYCYSTIC KIDNEY SYNDROME; ACROOSTEOLYSIS WITH OSTEOPOROSIS AND CHANGES IN SKULL AND MANDIBLE; Acroosteolysis dominant type. Identifiers: Orphanet 955, MedGen C0917715, MONDO:0007057, OMIM 102500.

Allele frequency attached by ClinVar (database versions not stated): TOPMed below 0.00001; gnomAD exomes 0.00001.
gnomAD v4.1: 8 of 1,614,132 alleles (0.0005%); highest among the groups gnomAD compares: South Asian, 0.0022%; no homozygotes.

Submissions (2):

Labcorp Genetics (formerly Invitae), Labcorp
Classification: Uncertain significance for Hajdu-Cheney syndrome. Last evaluated: 2024-09-26. Review status: criteria provided, single submitter. Criteria: Invitae Variant Classification Sherloc (09022015). Collection method: clinical testing. Allele origin: germline.
Comment: This sequence change replaces isoleucine, which is neutral and non-polar, with threonine, which is neutral and polar, at codon 608 of the NOTCH2 protein (p.Ile608Thr). This variant is present in population databases (no rsID available, gnomAD 0.006%). This variant has not been reported in the literature in individuals affected with NOTCH2-related conditions. ClinVar contains an entry for this variant (Variation ID: 1802004). Invitae Evidence Modeling of protein sequence and biophysical properties (such as structural, functional, and spatial information, amino acid conservation, physicochemical variation, residue mobility, and thermodynamic stability) indicates that this missense variant is not expected to disrupt NOTCH2 protein function with a negative predictive value of 80%. In summary, the available evidence is currently insufficient to determine the role of this variant in disease. Therefore, it has been classified as a Variant of Uncertain Significance.

GeneDx
Classification: Uncertain significance. Last evaluated: 2022-05-31. Review status: criteria provided, single submitter. Criteria: GeneDx Variant Classification Process June 2021. Collection method: clinical testing. Allele origin: germline. Affected: yes.
Comment: In silico analysis supports that this missense variant has a deleterious effect on protein structure/function; Has not been previously published as pathogenic or benign to our knowledge